The following is an entry in ClinVar:

NM_007214.5(SEC63):c.1868_1869del (p.Lys623fs)

Gene: SEC63 (SEC63 protein translocation regulator; minus strand). Cytogenetic location: 6q21.
Variant type: Deletion.
Coding change: c.1868_1869del on transcript NM_007214.5 (MANE Select); coding-DNA positions 1868 to 1869, 2 bases deleted (AA; older notation c.1868_1869delAA).
Protein change: p.Lys623fs; shifts the reading frame from lysine 623.
Molecular consequence: frameshift variant.
Genome position (GRCh38, 1-based): chr6:107,881,215-107,881,216, TT deleted on the plus strand (AA on the coding strand, the reverse complement: SEC63 is on the minus strand); deleting any 2 consecutive bases within chr6:107,881,215-107,881,218 gives the same sequence; the c. name uses the placement nearest the transcript's 3' end. VCF-style (leftmost placement, unchanged base first): chr6-107881214-CTT-C. GRCh37 (hg19) VCF-style: chr6-108202418-CTT-C.
Other names: short protein forms K623fs.
Identifiers: ClinVar variation 4853992 (VCV004853992.1).

ClinVar aggregate classification (germline): Likely pathogenic (1 of 4 stars; one submission).

Conditions:
Polycystic liver disease 2 (PCLD2). Also called: Polycystic liver disease 2 with or without kidney cysts. Identifiers: Orphanet 2924, MedGen C4310769, MONDO:0014860, OMIM 617004.

Submission:

3billion
Classification: Likely pathogenic for Polycystic liver disease 2. Last evaluated: 2025-12-16. Review status: criteria provided, single submitter. Criteria: ACMG Guidelines, 2015. Collection method: clinical testing. Allele origin: germline. Affected: yes.
Comment: The variant is not observed in the gnomAD v4.1.0 dataset. Predicted Consequence/Location: Frameshift: predicted to result in a loss or disruption of normal protein function through nonsense-mediated decay (NMD) or protein truncation. Multiple pathogenic variants are reported downstream of the variant. Therefore, this variant is classified as Likely pathogenic according to the recommendation of ACMG/AMP guideline.